The following is an entry in ClinVar:

NM_000222.3(KIT):c.1346+7T>C

Gene: KIT (KIT proto-oncogene, receptor tyrosine kinase; plus strand). Cytogenetic location: 4q12.
Variant type: single nucleotide variant.
Coding change: c.1346+7T>C on transcript NM_000222.3 (MANE Select); 7 bases into the intron after coding-DNA position 1346, T replaced by C.
Molecular consequence: intron variant.
Genome position (GRCh38, 1-based): chr4:54,723,705, T>C. VCF-style: chr4-54723705-T-C. GRCh37 (hg19) VCF-style: chr4-55589871-T-C.
Other names: c.1349+7T>C (NM_001385284.1, NM_001385290.1, NM_001385288.1 and 1 more transcripts); c.1346+7T>C (NM_001385285.1, NM_001093772.2, NM_001385286.1).
Identifiers: ClinVar variation 237241 (VCV000237241.14), dbSNP rs199510933, ClinGen allele CA2923459.

ClinVar aggregate classification (germline): Likely benign. Review status: criteria provided, multiple submitters, no conflicts (2 of 4 stars). 3 submissions from 3 submitters: Likely benign (2). 1 of the submissions does not count toward it. Last evaluated 2026-05-27.

Conditions:
KIT-related disorder. Also called: KIT-related condition.
Gastrointestinal stromal tumor. Also called: Gastrointestinal stromal tumor, somatic; Gastrointestinal stroma tumor. Identifiers: Orphanet 44890, MedGen C0238198, MeSH D046152, MONDO:0011719, OMIM 606764, HP:0100723.

Allele frequency attached by ClinVar (database versions not stated): gnomAD exomes 0.00001 and 0.00002; ExAC 0.00003; gnomAD 0.00009 and 0.00010; TOPMed 0.00025; 1000 Genomes Project 0.00060; 1000 Genomes Project 30x 0.00094.
gnomAD v4.1: 25 of 1,539,148 alleles (0.0016%); highest among the groups gnomAD compares: Admixed American, 0.035%; no homozygotes.

Submissions (3):

Myriad Genetics, Inc.
Classification: Likely benign for Gastrointestinal stromal tumor. Last evaluated: 2026-05-27. Review status: criteria provided, single submitter. Criteria: Myriad Autosomal Dominant, Autosomal Recessive and X-Linked Classification Criteria (2023). Collection method: clinical testing. Allele origin: unknown.
Comment: This variant is considered likely benign. This variant is intronic and is not expected to impact mRNA splicing.

Labcorp Genetics (formerly Invitae), Labcorp
Classification: Likely benign for Gastrointestinal stromal tumor. Last evaluated: 2026-01-27. Review status: criteria provided, single submitter. Criteria: Invitae Variant Classification Sherloc (09022015). Collection method: clinical testing. Allele origin: germline.

PreventionGenetics, part of Exact Sciences
Classification: Likely benign for KIT-related condition. Last evaluated: 2024-08-30. Review status: no assertion criteria provided. Collection method: clinical testing. Allele origin: germline. Not counted in ClinVar's aggregate classification.
Comment: This variant is classified as likely benign based on ACMG/AMP sequence variant interpretation guidelines (Richards et al. 2015 PMID: 25741868, with internal and published modifications).